The following is an entry in ClinVar:

ClinVar aggregate classification (germline): Uncertain significance (1 of 4 stars; one submission).

Conditions:
Developmental and epileptic encephalopathy 94 (DEE94). Also called: CHD2-Related Neurodevelopmental Disorders; Epileptic encephalopathy, childhood-onset. Identifiers: Orphanet 1942, Orphanet 2382, MedGen C3809278, MONDO:0014150, OMIM 615369.

Submission:

Institute of Human Genetics, University of Leipzig Medical Center
Classification: Uncertain significance for Developmental and epileptic encephalopathy 94. Last evaluated: 2022-01-25. Review status: criteria provided, single submitter. Criteria: ACMG Guidelines, 2015. Collection method: clinical testing. Allele origin: de novo. Affected: yes.
Comment: This variant was identified as de novo (maternity and paternity confirmed)._x000D_ Criteria applied: PS2_SUP, PM2_SUP, PP2, PP3

NM_001271.4(CHD2):c.3542G>A (p.Cys1181Tyr)

Gene: CHD2 (chromodomain helicase DNA binding protein 2; plus strand). Cytogenetic location: 15q26.1.
Variant type: single nucleotide variant.
Coding change: c.3542G>A on transcript NM_001271.4 (MANE Select); coding-DNA position 3542, G replaced by A.
Protein change: p.Cys1181Tyr; replaces cysteine 1181 with tyrosine.
Molecular consequence: missense variant.
Genome position (GRCh38, 1-based): chr15:92,992,945, G>A. VCF-style: chr15-92992945-G-A. GRCh37 (hg19) VCF-style: chr15-93536175-G-A.
Other names: short protein forms C1181Y.
Identifiers: ClinVar variation 1338806 (VCV001338806.1), dbSNP rs2141861661, ClinGen allele CA393896705.